The following is an entry in ClinVar:

NM_005639.3(SYT1):c.1103T>C (p.Ile368Thr)

Gene: SYT1 (synaptotagmin 1; plus strand). Cytogenetic location: 12q21.2.
Variant type: single nucleotide variant.
Coding change: c.1103T>C on transcript NM_005639.3 (MANE Select); coding-DNA position 1103, T replaced by C.
Protein change: p.Ile368Thr; replaces isoleucine 368 with threonine.
Molecular consequence: missense variant.
Genome position (GRCh38, 1-based): chr12:79,448,958, T>C. VCF-style: chr12-79448958-T-C. GRCh37 (hg19) VCF-style: chr12-79842738-T-C.
Other names: c.1103T>C (NM_001135805.1); c.1103T>C, p.Ile368Thr (NM_001135805.2, NM_001135806.2); c.1094T>C, p.Ile365Thr (NM_001291901.2); short protein forms I365T, I368T.
Identifiers: ClinVar variation 431484 (VCV000431484.46), dbSNP rs1135402761, ClinGen allele CA385931875.

ClinVar aggregate classification (germline): Pathogenic/Likely pathogenic. Review status: criteria provided, multiple submitters, no conflicts (2 of 4 stars). 7 submissions from 7 submitters: Pathogenic (3); Likely pathogenic (2). 2 of the submissions do not count toward it. Last evaluated 2022-06-13.

Conditions:
Inborn genetic diseases. Identifiers: MedGen C0950123, MeSH D030342.
SYT1-associated neurodevelopmental disorder.
Infantile hypotonia-oculomotor anomalies-hyperkinetic movements-developmental delay syndrome. Also called: BAKER-GORDON SYNDROME; NEURODEVELOPMENTAL DISORDER WITH INVOLUNTARY MOVEMENT AND ABNORMAL ELECTROENCEPHALOGRAM. Identifiers: Orphanet 522077, MedGen C4748715, MONDO:0033864, OMIM 618218.

Submissions (7):

Ambry Genetics
Classification: Pathogenic for Inborn genetic diseases. Last evaluated: 2022-06-13. Review status: criteria provided, single submitter. Criteria: Ambry Variant Classification Scheme 2023. Collection method: clinical testing. Allele origin: germline.
Comment: The c.1103T>C (p.I368T) alteration is located in exon 12 (coding exon 8) of the SYT1 gene. This alteration results from a T to C substitution at nucleotide position 1103, causing the isoleucine (I) at amino acid position 368 to be replaced by a threonine (T). This variant was not reported in population-based cohorts in the Genome Aggregation Database (gnomAD). This alteration has been reported de novo in multiple patients with neurodevelopmental disorders that included global developmental delay, intellectual disability, hypotonia, dyskinetic movements, and behavior disorder. Additional features included talipes and nystagmus or esotropia (Baker, 2015; Baker, 2018; Melland, 2022). This amino acid position is highly conserved in available vertebrate species. In vivo assessment of a child with a heterozygous I368T SYT1 mutation and in vitro investigation of the mutation in isolated mouse neurons showed abnormal kinetics of neurophysiological function (Baker, 2015). Using immunocytochemistry and electrophysiological recordings of synaptic currents in cultured mouse hippocampal and cortical neurons, Bradberry et. al. (2020) showed synaptic transmission was impaired in neurons expressing this mutant variant, demonstrating potent, graded dominant-negative effects. The in silico prediction for this alteration is inconclusive. Based on the available evidence, this alteration is classified as pathogenic.

CeGaT Center for Human Genetics Tuebingen
Classification: Pathogenic. Last evaluated: 2021-06-01. Review status: criteria provided, single submitter. Criteria: CeGaT Center For Human Genetics Tuebingen Variant Classification Criteria Version 2. Collection method: clinical testing. Allele origin: germline. Affected: yes. Observed: 2 variant alleles.

SIB Swiss Institute of Bioinformatics
Classification: Likely pathogenic for Infantile hypotonia-oculomotor anomalies-hyperkinetic movements-developmental delay syndrome. Last evaluated: 2019-02-18. Review status: criteria provided, single submitter. Criteria: ACMG Guidelines, 2015. Collection method: curation. Allele origin: unknown.
Comment: This variant is interpreted as a Likely pathogenic for Baker-Gordon syndrome, autosomal dominant. The following ACMG Tag(s) were applied: PM2: Absent from controls (or at extremely low frequency if recessive) in Exome Sequencing Project, 1000 Genomes Project, or Exome Aggregation Consortium. PM6: Assumed de novo, but without confirmation of paternity and maternity. PS3-Moderate: Well-established functional studies show a deleterious effect (downgraded to Moderate). PM1: Located in a mutational hot spot and/or critical and well-established functional domain (e.g., active site of an enzyme) without benign variation. PS4-Supporting: Prevalence in affecteds statistically increased over controls (downgraded to Supporting).

Raymond Lab, University of Cambridge
Classification: Pathogenic for SYT1-associated neurodevelopmental disorder. Last evaluated: 2018-07-01. Review status: criteria provided, single submitter. Criteria: ACMG Guidelines, 2015. Collection method: research. Allele origin: de novo. Affected: yes. Observed: 4 variant alleles. Clinical features observed: Intellectual disability, Movement disorder, Global developmental delay, Impulsivity.

HudsonAlpha Institute for Biotechnology
Classification: Likely pathogenic. Last evaluated: 2017-07-13. Review status: criteria provided, single submitter. Criteria: HA_assertions_20161101. Collection method: research. Allele origin: de novo. Affected: yes. Observed: 1 variant allele. Study: CSER-HudsonAlpha.

Solve-RD Consortium
Classification: Likely pathogenic for Infantile hypotonia-oculomotor anomalies-hyperkinetic movements-developmental delay syndrome. Last evaluated: 2022-06-01. Review status: no assertion criteria provided. Collection method: provider interpretation. Allele origin: de novo. Affected: yes. Not counted in ClinVar's aggregate classification.
Comment: Variant confirmed as disease-causing by referring clinical team

Variant identified during reanalysis of unsolved cases by the Solve-RD project. The Solve-RD project has received funding from the European Union’s Horizon 2020 research and innovation programme under grant agreement No 779257.

OMIM
Classification: Pathogenic for BAKER-GORDON SYNDROME. Last evaluated: 2018-12-12. Review status: no assertion criteria provided. Collection method: literature only. Allele origin: germline. Not counted in ClinVar's aggregate classification.

Literature cited by the submitters: PubMed 25705886 (cited by 3 submitters); PubMed 30107533 (cited by 4 submitters); PubMed 32362337 (cited by Ambry Genetics); PubMed 35101335 (cited by Ambry Genetics); PubMed 39825153 (cited by Solve-RD Consortium).